The following is an entry in ClinVar:

ClinVar aggregate classification (germline): Uncertain significance. Review status: criteria provided, multiple submitters, no conflicts (2 of 4 stars). 2 submissions from 2 submitters: Uncertain significance (2). Last evaluated 2025-09-26.

Conditions:
Inborn genetic diseases. Identifiers: MedGen C0950123, MeSH D030342.
Hyperekplexia 3 (HKPX3). Also called: HYPEREKPLEXIA 3, AUTOSOMAL RECESSIVE; HYPEREKPLEXIA 3, AUTOSOMAL DOMINANT. Identifiers: Orphanet 3197, MedGen C3553288, MONDO:0013827, OMIM 614618.

Allele frequency attached by ClinVar (database versions not stated): ExAC 0.00003; gnomAD exomes 0.00003 and 0.00014; gnomAD 0.00006 and 0.00007; TOPMed 0.00008.
gnomAD v4.1: 201 of 1,575,898 alleles (0.013%); highest among the groups gnomAD compares: Non-Finnish European, 0.017%; no homozygotes.

Submissions (2):

Ambry Genetics
Classification: Uncertain significance for Inborn genetic diseases. Last evaluated: 2025-09-26. Review status: criteria provided, single submitter. Criteria: Ambry Variant Classification Scheme 2023. Collection method: clinical testing. Allele origin: germline.

Labcorp Genetics (formerly Invitae), Labcorp
Classification: Uncertain significance for Hyperekplexia 3. Last evaluated: 2022-08-22. Review status: criteria provided, single submitter. Criteria: Invitae Variant Classification Sherloc (09022015). Collection method: clinical testing. Allele origin: germline.
Comment: This sequence change replaces methionine, which is neutral and non-polar, with threonine, which is neutral and polar, at codon 579 of the SLC6A5 protein (p.Met579Thr). This variant is present in population databases (rs761723711, gnomAD 0.006%). This variant has not been reported in the literature in individuals affected with SLC6A5-related conditions. ClinVar contains an entry for this variant (Variation ID: 565407). Algorithms developed to predict the effect of missense changes on protein structure and function (SIFT, PolyPhen-2, Align-GVGD) all suggest that this variant is likely to be disruptive. In summary, the available evidence is currently insufficient to determine the role of this variant in disease. Therefore, it has been classified as a Variant of Uncertain Significance.

NM_004211.5(SLC6A5):c.1736T>C (p.Met579Thr)

Gene: SLC6A5 (solute carrier family 6 member 5; plus strand). Cytogenetic location: 11p15.1.
Variant type: single nucleotide variant.
Coding change: c.1736T>C on transcript NM_004211.5 (MANE Select); coding-DNA position 1736, T replaced by C.
Protein change: p.Met579Thr; replaces methionine 579 with threonine.
Molecular consequence: missense variant.
Genome position (GRCh38, 1-based): chr11:20,636,418, T>C. VCF-style: chr11-20636418-T-C. GRCh37 (hg19) VCF-style: chr11-20657964-T-C.
Other names: c.1034T>C, p.Met345Thr (NM_001318369.2); short protein forms M579T, M345T.
Identifiers: ClinVar variation 565407 (VCV000565407.7), dbSNP rs761723711, ClinGen allele CA5921557.
Genomic context (GRCh38, chr11:20,636,418, plus strand): 5'-TCTCTCCGTTCTGGGCCATCATCTTTTTCCTGATGCTCCTCACTCTTGGACTTGACACTA[T>C]GGTGAGCCCCTTTTCCATCAGTCTCTATCCCATGCTCCTCTTGAAGACTCCCCCTCTCCT-3'
Protein context (NP_004202.4, residues 569-589): LMLLTLGLDT[Met579Thr]FATIETIVTS